The following is an entry in ClinVar:

ClinVar aggregate classification (germline): Uncertain significance (1 of 4 stars; one submission).

Allele frequency attached by ClinVar (database versions not stated): gnomAD exomes below 0.00001.
gnomAD v4.1: 1 of 1,211,788 alleles (0.000083%); highest among the groups gnomAD compares: Non-Finnish European, 0.00011%; no homozygotes.

Submission:

Labcorp Genetics (formerly Invitae), Labcorp
Classification: Uncertain significance. Last evaluated: 2021-09-04. Review status: criteria provided, single submitter. Criteria: Invitae Variant Classification Sherloc (09022015). Collection method: clinical testing. Allele origin: germline.
Comment: This sequence change replaces serine with cysteine at codon 90 of the DRP2 protein (p.Ser90Cys). The serine residue is highly conserved and there is a moderate physicochemical difference between serine and cysteine. This variant is not present in population databases (ExAC no frequency). This variant has not been reported in the literature in individuals affected with DRP2-related conditions. Algorithms developed to predict the effect of missense changes on protein structure and function are either unavailable or do not agree on the potential impact of this missense change (SIFT: "Deleterious"; PolyPhen-2: "Probably Damaging"; Align-GVGD: "Class C0"). In summary, the available evidence is currently insufficient to determine the role of this variant in disease. Therefore, it has been classified as a Variant of Uncertain Significance.

NM_001939.3(DRP2):c.269C>G (p.Ser90Cys)

Gene: DRP2 (dystrophin related protein 2; plus strand). Cytogenetic location: Xq22.1.
Variant type: single nucleotide variant.
Coding change: c.269C>G on transcript NM_001939.3 (MANE Select); coding-DNA position 269, C replaced by G.
Protein change: p.Ser90Cys; replaces serine 90 with cysteine.
Molecular consequence: missense variant.
Genome position (GRCh38, 1-based): chrX:101,236,011, C>G. VCF-style: chrX-101236011-C-G. GRCh37 (hg19) VCF-style: chrX-100491000-C-G.
Other names: c.35C>G, p.Ser12Cys (NM_001171184.2); short protein forms S90C, S12C.
Identifiers: ClinVar variation 1448715 (VCV001448715.6), dbSNP rs2147336048, ClinGen allele CA413911422.